The following is an entry in ClinVar:

NM_000717.5(CA4):c.76G>A (p.Glu26Lys)

Gene: CA4 (carbonic anhydrase 4; plus strand). Cytogenetic location: 17q23.1.
Variant type: single nucleotide variant.
Coding change: c.76G>A on transcript NM_000717.5 (MANE Select); coding-DNA position 76, G replaced by A.
Protein change: p.Glu26Lys; replaces glutamic acid 26 with lysine.
Molecular consequence: missense variant. On other transcripts: non-coding transcript variant (1).
Genome position (GRCh38, 1-based): chr17:60,155,331, G>A. VCF-style: chr17-60155331-G-A. GRCh37 (hg19) VCF-style: chr17-58232692-G-A.
Other names: short protein forms E26K.
Identifiers: ClinVar variation 1470581 (VCV001470581.6), dbSNP rs776401174, ClinGen allele CA8685210.

ClinVar aggregate classification (germline): Uncertain significance (1 of 4 stars; one submission).

Allele frequency attached by ClinVar (database versions not stated): gnomAD exomes below 0.00001; gnomAD 0.00001.
gnomAD v4.1: 5 of 1,611,300 alleles (0.00031%); highest among the groups gnomAD compares: East Asian, 0.0022%; no homozygotes.

Submission:

Labcorp Genetics (formerly Invitae), Labcorp
Classification: Uncertain significance. Last evaluated: 2023-07-21. Review status: criteria provided, single submitter. Criteria: Invitae Variant Classification Sherloc (09022015). Collection method: clinical testing. Allele origin: germline.
Comment: This sequence change replaces glutamic acid, which is acidic and polar, with lysine, which is basic and polar, at codon 26 of the CA4 protein (p.Glu26Lys). This variant is not present in population databases (gnomAD no frequency). This variant has not been reported in the literature in individuals affected with CA4-related conditions. ClinVar contains an entry for this variant (Variation ID: 1470581). Advanced modeling of protein sequence and biophysical properties (such as structural, functional, and spatial information, amino acid conservation, physicochemical variation, residue mobility, and thermodynamic stability) performed at Invitae indicates that this missense variant is not expected to disrupt CA4 protein function. In summary, the available evidence is currently insufficient to determine the role of this variant in disease. Therefore, it has been classified as a Variant of Uncertain Significance.